The following is an entry in ClinVar:

ClinVar aggregate classification (germline): Likely benign. Review status: criteria provided, multiple submitters, no conflicts (2 of 4 stars). 5 submissions from 5 submitters: Likely benign (5). Last evaluated 2025-12-24.

Conditions:
Charcot-Marie-Tooth disease type 2. Also called: Charcot-Marie-Tooth type 2. Identifiers: Orphanet 64746, MedGen C0270914, MONDO:0018993.
Charcot-Marie-Tooth disease axonal type 2N (CMT2N). Also called: Charcot-Marie-Tooth Neuropathy Type 2N; CHARCOT-MARIE-TOOTH DISEASE, AXONAL, AUTOSOMAL DOMINANT, TYPE 2N; CHARCOT-MARIE-TOOTH NEUROPATHY, AXONAL, TYPE 2N. Identifiers: Orphanet 228174, MedGen C2750090, MONDO:0013212, OMIM 613287.

Allele frequency attached by ClinVar (database versions not stated): gnomAD 0.00045; TOPMed 0.00045; ESP Exome Variant Server 0.00085.

Submissions (5):

Labcorp Genetics (formerly Invitae), Labcorp
Classification: Likely benign for Charcot-Marie-Tooth disease type 2. Last evaluated: 2025-12-24. Review status: criteria provided, single submitter. Criteria: Invitae Variant Classification Sherloc (09022015). Collection method: clinical testing. Allele origin: germline.

Women's Health and Genetics/Laboratory Corporation of America, LabCorp
Classification: Likely benign. Last evaluated: 2025-10-09. Review status: criteria provided, single submitter. Criteria: LabCorp Variant Classification Summary - May 2015. Collection method: clinical testing. Allele origin: germline.
Comment: Variant summary: AARS1 c.2178-14G>A alters a conserved nucleotide located at a position not widely known to affect splicing. Consensus agreement among computation tools predict no significant impact on normal splicing. However, these predictions have yet to be confirmed by functional studies. The variant allele was found at a frequency of 0.00041 in 270700 control chromosomes. This frequency is not significantly higher than estimated for disease-causing variants in AARS1, allowing no conclusion about variant significance. To our knowledge, no occurrence of c.2178-14G>A in individuals affected with AARS1-related conditions and no experimental evidence demonstrating its impact on protein function have been reported. ClinVar contains an entry for this variant (Variation ID: 377399). Based on the evidence outlined above, the variant was classified as likely benign.

Blueprint Genetics
Classification: Likely benign. Last evaluated: 2024-11-12. Review status: criteria provided, single submitter. Criteria: ACMG Guidelines, 2015. Collection method: clinical testing. Allele origin: germline.

Illumina Laboratory Services, Illumina
Classification: Likely benign for Charcot-Marie-Tooth disease axonal type 2N. Last evaluated: 2018-03-06. Review status: criteria provided, single submitter. Criteria: ICSL Variant Classification Criteria 13 December 2019. Collection method: clinical testing. Allele origin: germline.
Comment: This variant was observed in the ICSL laboratory as part of a predisposition screen in an ostensibly healthy population. It had not been previously curated by ICSL or reported in the Human Gene Mutation Database (HGMD: prior to June 1st, 2018), and was therefore a candidate for classification through an automated scoring system. Utilizing variant allele frequency, disease prevalence and penetrance estimates, and inheritance mode, an automated score was calculated to assess if this variant is too frequent to cause the disease. Based on the score and internal cut-off values, a variant classified as likely benign is not then subjected to further curation. The score for this variant resulted in a classification of likely benign for this disease.

GeneDx
Classification: Likely benign. Last evaluated: 2017-12-18. Review status: criteria provided, single submitter. Criteria: GeneDx Variant Classification (06012015). Collection method: clinical testing. Allele origin: germline. Affected: yes.
Comment: This variant is considered likely benign or benign based on one or more of the following criteria: it is a conservative change, it occurs at a poorly conserved position in the protein, it is predicted to be benign by multiple in silico algorithms, and/or has population frequency not consistent with disease.

NM_001605.3(AARS1):c.2178-14G>A

Gene: AARS1 (alanyl-tRNA synthetase 1; minus strand). Cytogenetic location: 16q22.1.
Variant type: single nucleotide variant.
Coding change: c.2178-14G>A on transcript NM_001605.3 (MANE Select); 14 bases into the intron before coding-DNA position 2178, G replaced by A.
Molecular consequence: intron variant.
Genome position (GRCh38, 1-based): chr16:70,255,850, C>T on the plus strand (G>A on the coding strand, the complement: AARS1 is on the minus strand). VCF-style: chr16-70255850-C-T. GRCh37 (hg19) VCF-style: chr16-70289753-C-T.
Identifiers: ClinVar variation 377399 (VCV000377399.14), dbSNP rs371633904, ClinGen allele CA8140527.